The following is an entry in ClinVar:

ClinVar aggregate classification (germline): Uncertain significance. Review status: criteria provided, multiple submitters, no conflicts (2 of 4 stars). 8 submissions from 8 submitters: Uncertain significance (8). Last evaluated 2025-09-05.

Conditions:
Cardiovascular phenotype. Identifiers: MedGen CN230736.
Cardiomyopathy (CMYO). Also called: Cardiomyopathies. Identifiers: Orphanet 167848, MedGen C0878544, MONDO:0004994, HP:0001638. Inheritance: Various modes of inheritance.
Arrhythmogenic right ventricular dysplasia 11. Also called: Arrhythmogenic Right Ventricular Dysplasia/Cardiomyopathy11; ARRHYTHMOGENIC RIGHT VENTRICULAR DYSPLASIA, FAMILIAL, 11; Arrhythmogenic right ventricular dysplasia 11 with mild palmoplantar keratoderma and woolly hair. Identifiers: MedGen C1864850, MONDO:0012506, OMIM 610476.
Familial isolated arrhythmogenic right ventricular dysplasia. Identifiers: Orphanet 217656, MedGen C4274968, MONDO:0016342.

Allele frequency attached by ClinVar (database versions not stated): ExAC 0.00001; gnomAD 0.00002 and 0.00003; TOPMed 0.00003; ESP Exome Variant Server 0.00008.
gnomAD v4.1: 7 of 1,612,900 alleles (0.00043%); highest among the groups gnomAD compares: African/African-American, 0.0027%; no homozygotes.

Submissions (8):

Ambry Genetics
Classification: Uncertain significance for Cardiovascular phenotype. Last evaluated: 2025-09-05. Review status: criteria provided, single submitter. Criteria: Ambry Variant Classification Scheme 2023. Collection method: clinical testing. Allele origin: germline.

Color Diagnostics, LLC DBA Color Health
Classification: Uncertain significance for Cardiomyopathy. Last evaluated: 2025-07-01. Review status: criteria provided, single submitter. Criteria: ACMG Guidelines, 2015. Collection method: clinical testing. Allele origin: germline.
Comment: This missense variant replaces lysine with asparagine at codon 107 of the DSC2 protein. Computational prediction suggests that this variant may not impact protein structure and function. To our knowledge, functional studies have not been reported for this variant. This variant has been observed in an individual affected with unexplained cardiac arrest and mild biventricular systolic dysfunction (ClinVar SCV000924767.1). This variant has been identified in 1/31358 chromosomes in the general population by the Genome Aggregation Database (gnomAD). The available evidence is insufficient to determine the role of this variant in disease conclusively. Therefore, this variant is classified as a Variant of Uncertain Significance.

Labcorp Genetics (formerly Invitae), Labcorp
Classification: Uncertain significance for Arrhythmogenic right ventricular dysplasia 11. Last evaluated: 2025-04-10. Review status: criteria provided, single submitter. Criteria: Invitae Variant Classification Sherloc (09022015). Collection method: clinical testing. Allele origin: germline.
Comment: This sequence change replaces lysine, which is basic and polar, with asparagine, which is neutral and polar, at codon 107 of the DSC2 protein (p.Lys107Asn). This variant is present in population databases (rs140856220, gnomAD 0.01%). This variant has not been reported in the literature in individuals affected with DSC2-related conditions. ClinVar contains an entry for this variant (Variation ID: 263702). Invitae Evidence Modeling of protein sequence and biophysical properties (such as structural, functional, and spatial information, amino acid conservation, physicochemical variation, residue mobility, and thermodynamic stability) has been performed for this missense variant. However, the output from this modeling did not meet the statistical confidence thresholds required to predict the impact of this variant on DSC2 protein function. Algorithms developed to predict the effect of sequence changes on RNA splicing suggest that this variant may disrupt the consensus splice site. In summary, the available evidence is currently insufficient to determine the role of this variant in disease. Therefore, it has been classified as a Variant of Uncertain Significance.

Molecular Diagnostic Laboratory for Inherited Cardiovascular Disease, Montreal Heart Institute
Classification: Uncertain significance for Cardiovascular phenotype. Last evaluated: 2025-04-09. Review status: criteria provided, single submitter. Criteria: ACMG Guidelines, 2015. Collection method: clinical testing. Allele origin: germline. Affected: yes.
Comment: PM2;PP3

All of Us Research Program, National Institutes of Health
Classification: Uncertain significance for Familial isolated arrhythmogenic right ventricular dysplasia. Last evaluated: 2023-11-02. Review status: criteria provided, single submitter. Criteria: ACMG Guidelines, 2015. Collection method: clinical testing. Allele origin: germline. Inheritance: Autosomal dominant inheritance. Observed: 5 variant alleles, 5 heterozygotes.
Comment: This missense variant replaces lysine with asparagine at codon 107 of the DSC2 protein. Computational prediction suggests that this variant may not impact protein structure and function (internally defined REVEL score threshold <= 0.5, PMID: 27666373). To our knowledge, functional studies have not been reported for this variant. This variant has been observed in an individual with unexplained cardiac arrest and mild biventricular systolic dysfunction (ClinVar SCV000924767.1). This variant has been identified in 1/31358 chromosomes in the general population by the Genome Aggregation Database (gnomAD). The available evidence is insufficient to determine the role of this variant in disease conclusively. Therefore, this variant is classified as a Variant of Uncertain Significance.

This study involves interpretation of variants in research participants for the purpose of population health screening. Participant phenotype was not available at the time of variant classification. Additional details can be found in publication PMID: 35346344, PMCID: PMC8962531

Women's Health and Genetics/Laboratory Corporation of America, LabCorp
Classification: Uncertain significance. Last evaluated: 2023-05-08. Review status: criteria provided, single submitter. Criteria: LabCorp Variant Classification Summary - May 2015. Collection method: clinical testing. Allele origin: germline.

Fulgent Genetics
Classification: Uncertain significance for Arrhythmogenic right ventricular dysplasia 11. Last evaluated: 2021-08-11. Review status: criteria provided, single submitter. Criteria: ACMG Guidelines, 2015. Collection method: clinical testing. Allele origin: unknown.

Stanford Center for Inherited Cardiovascular Disease, Stanford University
Classification: Uncertain significance. Last evaluated: 2016-08-01. Review status: criteria provided, single submitter. Criteria: ACMG Guidelines, 2015. Collection method: provider interpretation. Allele origin: germline.

NM_024422.6(DSC2):c.321G>T (p.Lys107Asn)

Gene: DSC2 (desmocollin 2; minus strand). Cytogenetic location: 18q12.1.
Variant type: single nucleotide variant.
Coding change: c.321G>T on transcript NM_024422.6 (MANE Select); coding-DNA position 321, G replaced by T.
Protein change: p.Lys107Asn; replaces lysine 107 with asparagine.
Molecular consequence: missense variant.
Genome position (GRCh38, 1-based): chr18:31,092,134, C>A on the plus strand (G>T on the coding strand, the complement: DSC2 is on the minus strand). VCF-style: chr18-31092134-C-A. GRCh37 (hg19) VCF-style: chr18-28672097-C-A.
Other names: c.321G>T, p.Lys107Asn (NM_004949.5); c.321G>T (NM_024422.4); short protein forms K107N.
Identifiers: ClinVar variation 263702 (VCV000263702.22), dbSNP rs140856220, ClinGen allele CA037677.
Genomic context (GRCh38, chr18:31,092,134, plus strand): 5'-TTTCTTCATTTATGTAGCCTTGTATACCTTTGTTTGATGCTCCAAAAAGACAAATATTTT[C>A]TTCTTTTCTTGGTTCTCAGTGTTGGAAAGTAATATGGTAAAACTTCTCTTCTCCGAGGAC-3'
Protein context (NP_077740.1, residues 97-117): LLSNTENQEK[Lys107Asn]KIFVFLEHQT